The following is an entry in ClinVar:

ClinVar aggregate classification (germline): Pathogenic/Likely pathogenic. Review status: criteria provided, multiple submitters, no conflicts (2 of 4 stars). 6 submissions from 6 submitters: Pathogenic (4); Likely pathogenic (2). Last evaluated 2024-09-27.

Conditions:
Hereditary cancer-predisposing syndrome. Also called: Hereditary Cancer Syndrome; Tumor predisposition; Neoplastic Syndromes, Hereditary; Hereditary neoplastic syndrome. Identifiers: Orphanet 140162, MedGen C0027672, MeSH D009386, MONDO:0015356.
Familial cancer of breast. Also called: hereditary breast carcinoma; BREAST CANCER, FAMILIAL; Hereditary breast cancer. Identifiers: Orphanet 227535, MedGen C0346153, MONDO:0016419, OMIM 114480. Disease mechanism: loss of function.
Ataxia-telangiectasia syndrome (AT). Also called: Cerebello-oculocutaneous telangiectasia; Immunodeficiency with ataxia telangiectasia; LOUIS-BAR SYNDROME; Ataxia-telangiectasia; Ataxia-telangiectasia, complementation group E; Ataxia telangiectasia (A-T). Identifiers: Orphanet 100, MedGen C0004135, MONDO:0008840, OMIM 208900.

Submissions (6):

Ambry Genetics
Classification: Pathogenic for Hereditary cancer-predisposing syndrome. Last evaluated: 2024-09-27. Review status: criteria provided, single submitter. Criteria: Ambry Variant Classification Scheme 2023. Collection method: clinical testing. Allele origin: germline.
Comment: The c.2406_2407insC pathogenic mutation, located in coding exon 15 of the ATM gene, results from an insertion of one nucleotide at position 2406, causing a translational frameshift with a predicted alternate stop codon (p.F803Lfs*12). This variant is considered to be rare based on population cohorts in the Genome Aggregation Database (gnomAD). This alteration is expected to result in loss of function by premature protein truncation or nonsense-mediated mRNA decay. As such, this alteration is interpreted as a disease-causing mutation.

Institute of Human Genetics, Clinical Exome/Genome Diagnostics Group, University Hospital Bonn
Classification: Pathogenic for Ataxia-telangiectasia syndrome. Last evaluated: 2024-04-18. Review status: criteria provided, single submitter. Criteria: ACMG Guidelines, 2015. Collection method: clinical testing. Allele origin: biparental. Affected: yes.

CeGaT Center for Human Genetics Tuebingen
Classification: Pathogenic. Last evaluated: 2024-04-01. Review status: criteria provided, single submitter. Criteria: CeGaT Center For Human Genetics Tuebingen Variant Classification Criteria Version 2. Collection method: clinical testing. Allele origin: germline. Affected: yes. Observed: 1 variant allele.
Comment: ATM: PVS1, PM2

Baylor Genetics
Classification: Likely pathogenic for Familial cancer of breast. Last evaluated: 2023-08-09. Review status: criteria provided, single submitter. Criteria: ACMG Guidelines, 2015. Collection method: clinical testing. Allele origin: unknown.

Labcorp Genetics (formerly Invitae), Labcorp
Classification: Pathogenic for Ataxia-telangiectasia syndrome. Last evaluated: 2023-06-15. Review status: criteria provided, single submitter. Criteria: Invitae Variant Classification Sherloc (09022015). Collection method: clinical testing. Allele origin: germline.
Comment: For these reasons, this variant has been classified as Pathogenic. ClinVar contains an entry for this variant (Variation ID: 1350979). This variant has not been reported in the literature in individuals affected with ATM-related conditions. This variant is not present in population databases (gnomAD no frequency). This sequence change creates a premature translational stop signal (p.Phe803Leufs*12) in the ATM gene. It is expected to result in an absent or disrupted protein product. Loss-of-function variants in ATM are known to be pathogenic (PMID: 23807571, 25614872).

Women's Health and Genetics/Laboratory Corporation of America, LabCorp
Classification: Likely pathogenic for Ataxia-telangiectasia syndrome. Last evaluated: 2023-04-17. Review status: criteria provided, single submitter. Criteria: LabCorp Variant Classification Summary - May 2015. Collection method: clinical testing. Allele origin: germline.
Comment: Variant summary: ATM c.2406_2407insC (p.Phe803LeufsX12) results in a premature termination codon, predicted to cause a truncation of the encoded protein or absence of the protein due to nonsense mediated decay, which are commonly known mechanisms for disease. Truncations downstream of this position have been classified as pathogenic by our laboratory. The variant was absent in 251260 control chromosomes. To our knowledge, no occurrence of c.2406_2407insC in individuals affected with Ataxia-Telangiectasia and no experimental evidence demonstrating its impact on protein function have been reported. One clinical diagnostic laboratory has submitted clinical-significance assessments for this variant to ClinVar after 2014 without evidence for independent evaluation. One laboratory classified the variant as pathogenic. Based on the evidence outlined above, the variant was classified as likely pathogenic.

Literature cited by the submitters: PubMed 23807571 (cited by Labcorp Genetics (formerly Invitae), Labcorp); PubMed 25614872 (cited by Labcorp Genetics (formerly Invitae), Labcorp).

NM_000051.4(ATM):c.2406_2407insC (p.Phe803fs)

Gene: ATM (ATM serine/threonine kinase; plus strand). Cytogenetic location: 11q22.3.
Variant type: Insertion.
Coding change: c.2406_2407insC on transcript NM_000051.4 (MANE Select); coding-DNA positions 2406 to 2407, C inserted.
Protein change: p.Phe803fs; shifts the reading frame from phenylalanine 803.
Molecular consequence: frameshift variant.
Genome position: GRCh38 VCF-style: chr11-108259015-T-TC. GRCh37 (hg19) VCF-style: chr11-108129742-T-TC.
Other names: c.2406_2407insC, p.Phe803fs (NM_001351834.2); c.2406_2407insC (NM_000051.3); short protein forms F803fs.
Identifiers: ClinVar variation 1350979 (VCV001350979.29), dbSNP rs2135421164, ClinGen allele CA1139771118.